The following is an entry in ClinVar:

ClinVar aggregate classification (germline): Uncertain significance. Review status: criteria provided, multiple submitters, no conflicts (2 of 4 stars). 3 submissions from 3 submitters: Uncertain significance (3). Last evaluated 2025-09-05.

Conditions:
Inborn genetic diseases. Identifiers: MedGen C0950123, MeSH D030342.
Malignant hyperthermia, susceptibility to, 1 (MHS1). Also called: RYR1-Related Malignant Hyperthermia Susceptibility; Malignant hyperthermia suceptibility 1; Anesthesia related hyperthermia; Malignant hyperpyrexia; Fulminating hyperpyrexia; Pharmacogenic myopathy. Identifiers: Orphanet 423, MedGen C2930980, MONDO:0007783, OMIM 145600.
RYR1-related disorder. Also called: RYR1-related condition; RYR1-related disorders. Identifiers: MedGen CN239331.

Allele frequency attached by ClinVar (database versions not stated): gnomAD exomes 0.00001; ExAC 0.00002; gnomAD 0.00002; TOPMed 0.00003; ESP Exome Variant Server 0.00008.
gnomAD v4.1: 13 of 1,614,046 alleles (0.00081%); highest among the groups gnomAD compares: Admixed American, 0.0017%; no homozygotes.

Submissions (3):

Labcorp Genetics (formerly Invitae), Labcorp
Classification: Uncertain significance for RYR1-related disorder. Last evaluated: 2025-09-05. Review status: criteria provided, single submitter. Criteria: Invitae Variant Classification Sherloc (09022015). Collection method: clinical testing. Allele origin: germline.
Comment: This sequence change replaces threonine, which is neutral and polar, with methionine, which is neutral and non-polar, at codon 3639 of the RYR1 protein (p.Thr3639Met). This variant is present in population databases (rs369390137, gnomAD 0.005%). This variant has not been reported in the literature in individuals affected with RYR1-related conditions. ClinVar contains an entry for this variant (Variation ID: 952414). Invitae Evidence Modeling of protein sequence and biophysical properties (such as structural, functional, and spatial information, amino acid conservation, physicochemical variation, residue mobility, and thermodynamic stability) indicates that this missense variant is not expected to disrupt RYR1 protein function with a negative predictive value of 80%. In summary, the available evidence is currently insufficient to determine the role of this variant in disease. Therefore, it has been classified as a Variant of Uncertain Significance.

Ambry Genetics
Classification: Uncertain significance for Inborn genetic diseases. Last evaluated: 2024-10-04. Review status: criteria provided, single submitter. Criteria: Ambry Variant Classification Scheme 2023. Collection method: clinical testing. Allele origin: germline.

All of Us Research Program, National Institutes of Health
Classification: Uncertain significance for Malignant hyperthermia, susceptibility to, 1. Last evaluated: 2024-09-23. Review status: criteria provided, single submitter. Criteria: ACMG Guidelines, 2015. Collection method: clinical testing. Allele origin: germline. Inheritance: Autosomal dominant inheritance. Observed: 1 variant allele, 1 heterozygote.
Comment: This missense variant replaces threonine with methionine at codon 3639 of the RYR1 protein. Computational prediction is inconclusive regarding the impact of this variant on protein structure and function (internally defined REVEL score threshold 0.5 < inconclusive < 0.7, PMID: 27666373). To our knowledge, functional studies have not been reported for this variant. This variant has not been reported in individuals affected with malignant hyperthermia in the literature. This variant has been identified in 5/282832 chromosomes in the general population by the Genome Aggregation Database (gnomAD). The available evidence is insufficient to determine the role of this variant in disease conclusively. Therefore, this variant is classified as a Variant of Uncertain Significance.

This study involves interpretation of variants in research participants for the purpose of population health screening. Participant phenotype was not available at the time of variant classification. Additional details can be found in publication PMID: 35346344, PMCID: PMC8962531

NM_000540.3(RYR1):c.10916C>T (p.Thr3639Met)

Gene: RYR1 (ryanodine receptor 1; plus strand). Cytogenetic location: 19q13.2.
Variant type: single nucleotide variant.
Coding change: c.10916C>T on transcript NM_000540.3 (MANE Select); coding-DNA position 10916, C replaced by T.
Protein change: p.Thr3639Met; replaces threonine 3639 with methionine.
Molecular consequence: missense variant.
Genome position (GRCh38, 1-based): chr19:38,528,397, C>T. VCF-style: chr19-38528397-C-T. GRCh37 (hg19) VCF-style: chr19-39019037-C-T.
Other names: c.10901C>T, p.Thr3634Met (NM_001042723.2); short protein forms T3634M, T3639M.
Identifiers: ClinVar variation 952414 (VCV000952414.13), dbSNP rs369390137, ClinGen allele CA055196.